The following is an entry in ClinVar:

ClinVar aggregate classification (germline): Uncertain significance (1 of 4 stars; one submission).

Conditions:
Neurofibromatosis, type 1 (NF1). Also called: Peripheral type neurofibromatosis; VON RECKLINGHAUSEN DISEASE; NEUROFIBROMATOSIS, TYPE I, SOMATIC; Neurofibromatosis, type I. Identifiers: Orphanet 636, MedGen C0027831, MONDO:0018975, OMIM 162200. Disease mechanism: loss of function.

Submission:

Labcorp Genetics (formerly Invitae), Labcorp
Classification: Uncertain significance for Neurofibromatosis, type 1. Last evaluated: 2022-09-03. Review status: criteria provided, single submitter. Criteria: Invitae Variant Classification Sherloc (09022015). Collection method: clinical testing. Allele origin: germline.
Comment: In summary, the available evidence is currently insufficient to determine the role of this variant in disease. Therefore, it has been classified as a Variant of Uncertain Significance. Advanced modeling of protein sequence and biophysical properties (such as structural, functional, and spatial information, amino acid conservation, physicochemical variation, residue mobility, and thermodynamic stability) performed at Invitae indicates that this missense variant is not expected to disrupt NF1 protein function. This variant has not been reported in the literature in individuals affected with NF1-related conditions. This variant is not present in population databases (gnomAD no frequency). This sequence change replaces valine, which is neutral and non-polar, with phenylalanine, which is neutral and non-polar, at codon 870 of the NF1 protein (p.Val870Phe).

NM_001042492.3(NF1):c.2608G>T (p.Val870Phe)

Gene: NF1 (neurofibromin 1; plus strand). Cytogenetic location: 17q11.2.
Variant type: single nucleotide variant.
Coding change: c.2608G>T on transcript NM_001042492.3 (MANE Select); coding-DNA position 2608, G replaced by T.
Protein change: p.Val870Phe; replaces valine 870 with phenylalanine.
Molecular consequence: missense variant.
Genome position (GRCh38, 1-based): chr17:31,229,223, G>T. VCF-style: chr17-31229223-G-T. GRCh37 (hg19) VCF-style: chr17-29556241-G-T.
Other names: c.2608G>T, p.Val870Phe (NM_000267.4); short protein forms V870F.
Identifiers: ClinVar variation 1718738 (VCV001718738.5), dbSNP rs1360462945, ClinGen allele CA398984464.